The following is an entry in ClinVar:

NM_000038.6(APC):c.2262T>C (p.Val754=)

Gene: APC (APC regulator of Wnt signaling pathway; plus strand). Cytogenetic location: 5q22.2.
Variant type: single nucleotide variant.
Coding change: c.2262T>C on transcript NM_000038.6 (MANE Select); coding-DNA position 2262, T replaced by C.
Protein change: p.Val754=; no amino-acid change (valine 754 retained).
Molecular consequence: synonymous variant.
Genome position (GRCh38, 1-based): chr5:112,837,856, T>C. VCF-style: chr5-112837856-T-C. GRCh37 (hg19) VCF-style: chr5-112173553-T-C.
Other names: c.2262T>C, p.Val754= (NM_001127510.3, NM_001354895.2); c.2208T>C, p.Val736= (NM_001127511.3); c.2316T>C, p.Val772= (NM_001354896.2); c.2292T>C, p.Val764= (NM_001354897.2); c.2187T>C, p.Val729= (NM_001354898.2); c.2178T>C, p.Val726= (NM_001354899.2); c.2139T>C, p.Val713= (NM_001354900.2); c.2085T>C, p.Val695= (NM_001354901.2); and 5 more.
Identifiers: ClinVar variation 469740 (VCV000469740.40), dbSNP rs148987776, ClinGen allele CA445963295.
Genomic context (GRCh38, chr5:112,837,856, plus strand): 5'-TGCGAAGTACAAGGATGCCAATATTATGTCTCCTGGCTCAAGCTTGCCATCTCTTCATGT[T>C]AGGAAACAAAAAGCCCTAGAAGCAGAATTAGATGCTCAGCACTTATCAGAAACTTTTGAC-3'
Protein context (NP_000029.2, residues 744-764): SPGSSLPSLH[Val754=]RKQKALEAEL

ClinVar aggregate classification (germline): Benign/Likely benign. Review status: criteria provided, multiple submitters, no conflicts (2 of 4 stars). 6 submissions from 6 submitters: Benign (1); Likely benign (5). Last evaluated 2025-12-13.

Conditions:
Classic or attenuated familial adenomatous polyposis. Identifiers: MedGen CN372698, MONDO:0021057.
Familial adenomatous polyposis 1 (FAP1). Also called: FAMILIAL ADENOMATOUS POLYPOSIS 1, ATTENUATED; POLYPOSIS, ADENOMATOUS INTESTINAL. Identifiers: MedGen C2713442, MONDO:0021056, OMIM 175100. Disease mechanism: loss of function.
Hereditary cancer-predisposing syndrome. Also called: Hereditary neoplastic syndrome; Tumor predisposition; Neoplastic Syndromes, Hereditary; Hereditary Cancer Syndrome. Identifiers: Orphanet 140162, MedGen C0027672, MeSH D009386, MONDO:0015356.

gnomAD v4.1: 1 of 1,614,044 alleles (0.000062%); highest among the groups gnomAD compares: Non-Finnish European, 0.000085%; no homozygotes.

Submissions (6):

Labcorp Genetics (formerly Invitae), Labcorp
Classification: Likely benign for Familial adenomatous polyposis 1. Last evaluated: 2025-12-13. Review status: criteria provided, single submitter. Criteria: Invitae Variant Classification Sherloc (09022015). Collection method: clinical testing. Allele origin: germline.

Myriad Genetics, Inc.
Classification: Benign for Familial adenomatous polyposis 1. Last evaluated: 2024-03-11. Review status: criteria provided, single submitter. Criteria: Myriad Autosomal Dominant, Autosomal Recessive and X-Linked Classification Criteria (2023). Collection method: clinical testing. Allele origin: unknown.
Comment: This variant is considered benign. This variant is a silent/synonymous amino acid change and it is not expected to impact splicing.

CeGaT Center for Human Genetics Tuebingen
Classification: Likely benign. Last evaluated: 2023-12-01. Review status: criteria provided, single submitter. Criteria: CeGaT Center For Human Genetics Tuebingen Variant Classification Criteria Version 2. Collection method: clinical testing. Allele origin: germline. Affected: yes. Observed: 1 variant allele.
Comment: APC: BP4, BP7

All of Us Research Program, National Institutes of Health
Classification: Likely benign for Classic or attenuated familial adenomatous polyposis. Last evaluated: 2023-01-10. Review status: criteria provided, single submitter. Criteria: ACMG Guidelines, 2015. Collection method: clinical testing. Allele origin: germline. Inheritance: Autosomal dominant inheritance. Observed: 1 variant allele, 1 heterozygote.
Comment: This study involves interpretation of variants in research participants for the purpose of population health screening. Participant phenotype was not available at the time of variant classification. Additional details can be found in publication PMID: 35346344, PMCID: PMC8962531

Color Diagnostics, LLC DBA Color Health
Classification: Likely benign for Hereditary cancer-predisposing syndrome. Last evaluated: 2017-08-30. Review status: criteria provided, single submitter. Criteria: ACMG Guidelines, 2015. Collection method: clinical testing. Allele origin: germline.

Ambry Genetics
Classification: Likely benign for Hereditary cancer-predisposing syndrome. Last evaluated: 2017-05-22. Review status: criteria provided, single submitter. Criteria: Ambry Variant Classification Scheme 2023. Collection method: clinical testing. Allele origin: germline.